The following is an entry in ClinVar:

ClinVar aggregate classification (germline): Uncertain significance (1 of 4 stars; one submission).

Allele frequency attached by ClinVar (database versions not stated): gnomAD exomes below 0.00001.
gnomAD v4.1: 1 of 1,553,070 alleles (0.000064%); highest among the groups gnomAD compares: Non-Finnish European, 0.000087%; no homozygotes.

Submission:

GeneDx
Classification: Uncertain significance. Last evaluated: 2016-12-15. Review status: criteria provided, single submitter. Criteria: GeneDx Variant Classification (06012015). Collection method: clinical testing. Allele origin: germline. Affected: yes.
Comment: A variant of uncertain significance has been identified in the CACNA1E gene. The c.5578 G>A variant has not been published as a pathogenic variant, nor has it been reported as a benign variant to our knowledge. It is not observed in large population cohorts (Lek et al., 2016; 1000 Genomes Consortium et al., 2015; Exome Variant Server). Several in-silico splice prediction models predict that c.5578 G>A destroys the natural splice donor site which may lead to abnormal gene splicing. However, in the absence of RNA/functional studies, the actual effect of this sequence change in this individual is unknown. If c.5578 G>A does not affect splicing, it will result in the A1860T missense change. The A1860T variant is a non-conservative amino acid substitution, which is likely to impact secondary protein structure as these residues differ in polarity, charge, size and/or other properties. However, this substitution occurs at a position that is not conserved. In silico analysis is inconsistent in its predictions as to whether or not the A1860T variant is damaging to the protein structure/function. Based on the currently available information, it is unclear whether this variant is a pathogenic variant or a rare benign variant.

NM_001205293.3(CACNA1E):c.5578G>A (p.Ala1860Thr)

Gene: CACNA1E (calcium voltage-gated channel subunit alpha1 E; plus strand). Cytogenetic location: 1q25.3.
Variant type: single nucleotide variant.
Coding change: c.5578G>A on transcript NM_001205293.3 (MANE Select); coding-DNA position 5578, G replaced by A.
Protein change: p.Ala1860Thr; replaces alanine 1860 with threonine.
Molecular consequence: missense variant.
Genome position (GRCh38, 1-based): chr1:181,784,768, G>A. VCF-style: chr1-181784768-G-A. GRCh37 (hg19) VCF-style: chr1-181753904-G-A.
Other names: c.5578G>A, p.Ala1860Thr (NM_000721.4); c.5521G>A, p.Ala1841Thr (NM_001205294.2); short protein forms A1860T, A1841T.
Identifiers: ClinVar variation 391363 (VCV000391363.2), dbSNP rs1057524055, ClinGen allele CA16603498.